The following is an entry in ClinVar:

NM_001844.5(COL2A1):c.1913C>A (p.Thr638Lys)

Gene: COL2A1 (collagen type II alpha 1 chain; minus strand). Cytogenetic location: 12q13.11.
Variant type: single nucleotide variant.
Coding change: c.1913C>A on transcript NM_001844.5 (MANE Select); coding-DNA position 1913, C replaced by A.
Protein change: p.Thr638Lys; replaces threonine 638 with lysine.
Molecular consequence: missense variant.
Genome position (GRCh38, 1-based): chr12:47,984,115, G>T on the plus strand (C>A on the coding strand, the complement: COL2A1 is on the minus strand). VCF-style: chr12-47984115-G-T. GRCh37 (hg19) VCF-style: chr12-48377898-G-T.
Other names: c.1706C>A, p.Thr569Lys (NM_033150.3); short protein forms T638K, T569K.
Identifiers: ClinVar variation 1346668 (VCV001346668.8), dbSNP rs41263847, ClinGen allele CA384548947.
Genomic context (GRCh38, chr12:47,984,115, plus strand): 5'-GGGCCACCTGGGGAGGCTGGGCAGGTACTTACAGCAGGGCCAGGGGGTCCTGCAGCACCT[G>T]TCTCACCATCTTTGCCAGGAAGACCCTAGACAGAAGAGAAAAAGAAAAGTCAATGACACG-3'
Protein context (NP_001835.3, residues 628-648): LRGLPGKDGE[Thr638Lys]GAAGPPGPAG

ClinVar aggregate classification (germline): Uncertain significance (1 of 4 stars; one submission).

gnomAD v4.1: 1 of 1,613,620 alleles (0.000062%); highest among the groups gnomAD compares: Non-Finnish European, 0.000085%; no homozygotes.

Submission:

Labcorp Genetics (formerly Invitae), Labcorp
Classification: Uncertain significance. Last evaluated: 2021-04-18. Review status: criteria provided, single submitter. Criteria: Invitae Variant Classification Sherloc (09022015). Collection method: clinical testing. Allele origin: germline.
Comment: This variant has not been reported in the literature in individuals with COL2A1-related conditions. This sequence change replaces threonine with lysine at codon 638 of the COL2A1 protein (p.Thr638Lys). The threonine residue is highly conserved and there is a moderate physicochemical difference between threonine and lysine. This variant is not present in population databases (ExAC no frequency). In summary, the available evidence is currently insufficient to determine the role of this variant in disease. Therefore, it has been classified as a Variant of Uncertain Significance. Advanced modeling of protein sequence and biophysical properties (such as structural, functional, and spatial information, amino acid conservation, physicochemical variation, residue mobility, and thermodynamic stability) performed at Invitae indicates that this missense variant is not expected to disrupt COL2A1 protein function.